The following is an entry in ClinVar:

NM_000016.6(ACADM):c.30+2T>G

Gene: ACADM (acyl-CoA dehydrogenase medium chain; plus strand). Cytogenetic location: 1p31.1.
Variant type: single nucleotide variant.
Coding change: c.30+2T>G on transcript NM_000016.6 (MANE Select); the canonical splice donor site of the intron after coding-DNA position 30, T replaced by G.
Molecular consequence: splice donor variant.
Genome position (GRCh38, 1-based): chr1:75,724,819, T>G. VCF-style: chr1-75724819-T-G. GRCh37 (hg19) VCF-style: chr1-76190504-T-G.
Other names: c.30+2T>G (NM_001127328.3, NM_001286043.2); c.10+2T>G (NM_001286042.2); c.-268+2T>G (NM_001286044.2).
Identifiers: ClinVar variation 1369032 (VCV001369032.8), dbSNP rs768596219, ClinGen allele CA24617065.
Genomic context (GRCh38, chr1:75,724,819, plus strand): 5'-TTGTCCGAGTGGCCGGAACGGGAGCCAACATGGCAGCGGGGTTCGGGCGATGCTGCAGGG[T>G]GAGAGGGAGCCCAGCGGTGCGGTGGGGCTGGAACATGGGTATTGTGGTGTCGGAGCAGGG-3'

ClinVar aggregate classification (germline): Pathogenic (1 of 4 stars; one submission).

Conditions:
Medium-chain acyl-coenzyme A dehydrogenase deficiency (ACADMD). Also called: Medium chain acyl-CoA dehydrogenase deficiency; MCADH DEFICIENCY; MCADD; MCAD Deficiency; ACADM DEFICIENCY; CARNITINE DEFICIENCY SECONDARY TO MEDIUM-CHAIN ACYL-CoA DEHYDROGENASE DEFICIENCY. Identifiers: Orphanet 42, MedGen C0220710, MONDO:0008721, OMIM 201450.

Submission:

Labcorp Genetics (formerly Invitae), Labcorp
Classification: Pathogenic for Medium-chain acyl-coenzyme A dehydrogenase deficiency. Last evaluated: 2021-04-29. Review status: criteria provided, single submitter. Criteria: Invitae Variant Classification Sherloc (09022015). Collection method: clinical testing. Allele origin: germline.
Comment: For these reasons, this variant has been classified as Pathogenic. This sequence change affects a donor splice site in intron 1 of the ACADM gene. It is expected to disrupt RNA splicing. Variants that disrupt the donor or acceptor splice site typically lead to a loss of protein function (PMID: 16199547), and loss-of-function variants in ACADM are known to be pathogenic (PMID: 16121256, 20434380). This variant is not present in population databases (ExAC no frequency). Disruption of this splice site has been observed in individual(s) with medium-chain acyl-coenzyme A dehydrogenase deficiency (PMID: 32793418). Algorithms developed to predict the effect of sequence changes on RNA splicing suggest that this variant may disrupt the consensus splice site, but this prediction has not been confirmed by published transcriptional studies.

Literature cited by the submitters: PubMed 16199547; PubMed 16121256; PubMed 20434380; PubMed 32793418.